The following is an entry in ClinVar:

ClinVar aggregate classification (germline): Uncertain significance (1 of 4 stars; one submission).

gnomAD v4.1: 3 of 1,612,096 alleles (0.00019%); highest among the groups gnomAD compares: Non-Finnish European, 0.00025%; no homozygotes.

Submission:

Labcorp Genetics (formerly Invitae), Labcorp
Classification: Uncertain significance. Last evaluated: 2024-12-22. Review status: criteria provided, single submitter. Criteria: Invitae Variant Classification Sherloc (09022015). Collection method: clinical testing. Allele origin: germline.
Comment: This sequence change replaces alanine, which is neutral and non-polar, with valine, which is neutral and non-polar, at codon 953 of the SUCO protein (p.Ala953Val). This variant is not present in population databases (gnomAD no frequency). This variant has not been reported in the literature in individuals affected with SUCO-related conditions. An algorithm developed to predict the effect of missense changes on protein structure and function (PolyPhen-2) suggests that this variant is likely to be disruptive. In summary, the available evidence is currently insufficient to determine the role of this variant in disease. Therefore, it has been classified as a Variant of Uncertain Significance.

NM_014283.5(SUCO):c.2858C>T (p.Ala953Val)

Gene: SUCO (SUN domain containing ossification factor; plus strand). Cytogenetic location: 1q24.3.
Variant type: single nucleotide variant.
Coding change: c.2858C>T on transcript NM_014283.5 (MANE Select); coding-DNA position 2858, C replaced by T.
Protein change: p.Ala953Val; replaces alanine 953 with valine.
Molecular consequence: missense variant.
Genome position (GRCh38, 1-based): chr1:172,591,016, C>T. VCF-style: chr1-172591016-C-T. GRCh37 (hg19) VCF-style: chr1-172560156-C-T.
Other names: c.1745C>T, p.Ala582Val (NM_001282750.2); c.1169C>T, p.Ala390Val (NM_001282751.2); c.3311C>T, p.Ala1104Val (NM_016227.4); short protein forms A1104V, A582V, A390V, A953V.
Identifiers: ClinVar variation 3719708 (VCV003719708.2).
Genomic context (GRCh38, chr1:172,591,016, plus strand): 5'-CTGATTTAGACCAATTCTTACTTCATAGGTACCGAAAACAAATGGAAGAAATGCAAAAGG[C>T]TTTCAATAAAACAATCGTGAAACTTCAGAATACTTCAAGAATAGCAGAGGAGCAGGTTGG-3'
Protein context (NP_055098.1, residues 943-963): YRKQMEEMQK[Ala953Val]FNKTIVKLQN